The following is an entry in ClinVar:

ClinVar aggregate classification (germline): Likely benign. Review status: criteria provided, single submitter (1 of 4 stars). 2 submissions from 2 submitters: Likely benign (1). 1 of the submissions does not count toward it. Last evaluated 2024-03-27.

Conditions:
APC2-related disorder. Also called: APC2-related condition; APC2-Related Disorders.

Allele frequency attached by ClinVar (database versions not stated): TOPMed 0.00005; gnomAD 0.00005; ExAC 0.00005.
gnomAD v4.1: 192 of 1,554,314 alleles (0.012%); highest among the groups gnomAD compares: Non-Finnish European, 0.016%; no homozygotes.

Submissions (2):

Labcorp Genetics (formerly Invitae), Labcorp
Classification: Likely benign. Last evaluated: 2024-03-27. Review status: criteria provided, single submitter. Criteria: Invitae Variant Classification Sherloc (09022015). Collection method: clinical testing. Allele origin: germline.

PreventionGenetics, part of Exact Sciences
Classification: Likely benign for APC2-related condition. Last evaluated: 2019-06-20. Review status: no assertion criteria provided. Collection method: clinical testing. Allele origin: germline. Not counted in ClinVar's aggregate classification.
Comment: This variant is classified as likely benign based on ACMG/AMP sequence variant interpretation guidelines (Richards et al. 2015 PMID: 25741868, with internal and published modifications).

NM_005883.3(APC2):c.5706C>T (p.Gly1902=)

Genes: APC2 (APC regulator of Wnt signaling pathway 2; plus strand), LOC130062956 (ATAC-STARR-seq lymphoblastoid silent region 9718; plus strand). Cytogenetic location: 19p13.3.
Variant type: single nucleotide variant.
Coding change: c.5706C>T on transcript NM_005883.3 (MANE Select); coding-DNA position 5706, C replaced by T.
Protein change: p.Gly1902=; no amino-acid change (glycine 1902 retained).
Molecular consequence: synonymous variant.
Genome position (GRCh38, 1-based): chr19:1,469,007, C>T. VCF-style: chr19-1469007-C-T. GRCh37 (hg19) VCF-style: chr19-1469006-C-T.
Other names: c.5703C>T, p.Gly1901= (NM_001351273.1).
Identifiers: ClinVar variation 734231 (VCV000734231.10), dbSNP rs755469801, ClinGen allele CA9046094.
Genomic context (GRCh38, chr19:1,469,007, plus strand): 5'-CTCCCAGCCCCTGCCCAGAAAGCGCCCCCCGGTCACCCAGGCTGCTGGGGCCCTGCCCGG[C>T]CCCGGAGCCTCCCCGGTGCCCAAAACGCCGGCGCGCACCCTTCTGGCGAAGCAGCACAAG-3'
Protein context (NP_005874.1, residues 1892-1912): PVTQAAGALP[Gly1902=]PGASPVPKTP